The following is an entry in ClinVar:

NM_014714.4(IFT140):c.1331T>C (p.Met444Thr)

Genes: IFT140 (intraflagellar transport 140; minus strand), LOC105371046 (uncharacterized LOC105371046; plus strand). Cytogenetic location: 16p13.3.
Variant type: single nucleotide variant.
Coding change: c.1331T>C on transcript NM_014714.4 (MANE Select); coding-DNA position 1331, T replaced by C.
Protein change: p.Met444Thr; replaces methionine 444 with threonine.
Molecular consequence: missense variant.
Genome position (GRCh38, 1-based): chr16:1,584,245, A>G on the plus strand (T>C on the coding strand, the complement: IFT140 is on the minus strand). VCF-style: chr16-1584245-A-G. GRCh37 (hg19) VCF-style: chr16-1634246-A-G.
Other names: c.1331T>C (NM_014714.3); short protein forms M444T.
Identifiers: ClinVar variation 1470846 (VCV001470846.12), dbSNP rs148663745, ClinGen allele CA7814364.

ClinVar aggregate classification (germline): Conflicting classifications of pathogenicity. Review status: criteria provided, conflicting classifications (1 of 4 stars). 5 submissions from 5 submitters: Uncertain significance (4); Likely benign (1). Last evaluated 2026-08-01.

Conditions:
IFT140-related disorder. Also called: IFT140-related condition.
Saldino-Mainzer syndrome (SRTD9). Also called: SHORT-RIB THORACIC DYSPLASIA 9 WITHOUT POLYDACTYLY; short-rib thoracic dysplasia 9 with or without polydactyly; CONORENAL SYNDROME; Renal dysplasia, retinal pigmentary dystrophy, cerebellar ataxia and skeletal dysplasia. Identifiers: Orphanet 140969, MedGen C1849437, MONDO:0009964, OMIM 266920.
Inborn genetic diseases. Identifiers: MedGen C0950123, MeSH D030342.
Retinitis pigmentosa 80 (RP80). Identifiers: MedGen C4540439, MONDO:0054708, OMIM 617781.

Allele frequency attached by ClinVar (database versions not stated): gnomAD exomes 0.00004 and 0.00007; ExAC 0.00010; 1000 Genomes Project 30x 0.00016; 1000 Genomes Project 0.00020; TOPMed 0.00022; ESP Exome Variant Server 0.00023; gnomAD 0.00024 and 0.00026.
gnomAD v4.1: 99 of 1,613,784 alleles (0.0061%); highest among the groups gnomAD compares: African/African-American, 0.072%; no homozygotes.

Submissions (5):

PreventionGenetics, part of Exact Sciences
Classification: Uncertain significance for IFT140-related condition. Last evaluated: 2026-08-01. Review status: criteria provided, single submitter. Criteria: ACMG Guidelines, 2015. Collection method: clinical testing. Allele origin: germline.
Comment: The IFT140 c.1331T>C variant is predicted to result in the amino acid substitution p.Met444Thr. To our knowledge, this variant has not been reported in the literature. This variant is reported in 0.080% of alleles in individuals of African descent in gnomAD, which may be too frequent to be a primary cause of disease. Although we suspect that this variant may be benign, at this time, the clinical significance of this variant is uncertain due to the absence of conclusive functional and genetic evidence.

Labcorp Genetics (formerly Invitae), Labcorp
Classification: Likely benign for Saldino-Mainzer syndrome. Last evaluated: 2026-01-05. Review status: criteria provided, single submitter. Criteria: Invitae Variant Classification Sherloc (09022015). Collection method: clinical testing. Allele origin: germline.

Blueprint Genetics
Classification: Uncertain significance. Last evaluated: 2024-11-15. Review status: criteria provided, single submitter. Criteria: ACMG Guidelines, 2015. Collection method: clinical testing. Allele origin: germline.

Ambry Genetics
Classification: Uncertain significance for Inborn genetic diseases. Last evaluated: 2024-06-11. Review status: criteria provided, single submitter. Criteria: Ambry Variant Classification Scheme 2023. Collection method: clinical testing. Allele origin: germline.

Fulgent Genetics
Classification: Uncertain significance for Saldino-Mainzer syndrome; Retinitis pigmentosa 80. Last evaluated: 2022-01-20. Review status: criteria provided, single submitter. Criteria: ACMG Guidelines, 2015. Collection method: clinical testing. Allele origin: unknown.